The following is an entry in ClinVar:

ClinVar aggregate classification (germline): Uncertain significance (1 of 4 stars; one submission).

Conditions:
Postaxial polydactyly-anterior pituitary anomalies-facial dysmorphism syndrome. Also called: Culler-Jones syndrome. Identifiers: Orphanet 420584, MedGen C4014479, MONDO:0014369, OMIM 615849.
Holoprosencephaly 9 (HPE9). Also called: PITUITARY ANOMALIES WITH HOLOPROSENCEPHALY-LIKE FEATURES; HOLOPROSENCEPHALY WITH MICROPHTHALMIA AND FIRST BRANCHIAL ARCH ANOMALIES. Identifiers: Orphanet 2162, MedGen C1835819, MONDO:0012563, OMIM 610829.

Allele frequency attached by ClinVar (database versions not stated): gnomAD exomes below 0.00001.
gnomAD v4.1: 1 of 1,613,116 alleles (0.000062%); highest among the groups gnomAD compares: Non-Finnish European, 0.000085%; no homozygotes.

Submission:

Labcorp Genetics (formerly Invitae), Labcorp
Classification: Uncertain significance for Postaxial polydactyly-anterior pituitary anomalies-facial dysmorphism syndrome; Holoprosencephaly 9. Last evaluated: 2022-03-03. Review status: criteria provided, single submitter. Criteria: Invitae Variant Classification Sherloc (09022015). Collection method: clinical testing. Allele origin: germline.
Comment: In summary, the available evidence is currently insufficient to determine the role of this variant in disease. Therefore, it has been classified as a Variant of Uncertain Significance. Algorithms developed to predict the effect of missense changes on protein structure and function (SIFT, PolyPhen-2, Align-GVGD) all suggest that this variant is likely to be tolerated. This variant has not been reported in the literature in individuals affected with GLI2-related conditions. This variant is not present in population databases (gnomAD no frequency). This sequence change replaces proline, which is neutral and non-polar, with arginine, which is basic and polar, at codon 1178 of the GLI2 protein (p.Pro1178Arg).

NM_001374353.1(GLI2):c.3482C>G (p.Pro1161Arg)

Gene: GLI2 (GLI family zinc finger 2; plus strand). Cytogenetic location: 2q14.2.
Variant type: single nucleotide variant.
Coding change: c.3482C>G on transcript NM_001374353.1 (MANE Select); coding-DNA position 3482, C replaced by G.
Protein change: p.Pro1161Arg; replaces proline 1161 with arginine.
Molecular consequence: missense variant.
Genome position (GRCh38, 1-based): chr2:120,989,447, C>G. VCF-style: chr2-120989447-C-G. GRCh37 (hg19) VCF-style: chr2-121747023-C-G.
Other names: c.3533C>G, p.Pro1178Arg (NM_001371271.1, NM_005270.5); c.3107C>G, p.Pro1036Arg (NM_001374354.1); short protein forms P1036R, P1161R, P1178R.
Identifiers: ClinVar variation 1474186 (VCV001474186.6), dbSNP rs2105092684, ClinGen allele CA348174677.